The following is an entry in ClinVar:

NM_001083961.2(WDR62):c.3248T>C (p.Val1083Ala)

Gene: WDR62 (WD repeat domain 62; plus strand). Cytogenetic location: 19q13.12.
Variant type: single nucleotide variant.
Coding change: c.3248T>C on transcript NM_001083961.2 (MANE Select); coding-DNA position 3248, T replaced by C.
Protein change: p.Val1083Ala; replaces valine 1083 with alanine.
Molecular consequence: missense variant.
Genome position (GRCh38, 1-based): chr19:36,102,764, T>C. VCF-style: chr19-36102764-T-C. GRCh37 (hg19) VCF-style: chr19-36593666-T-C.
Other names: c.3233T>C, p.Val1078Ala (NM_173636.5); short protein forms V1083A, V1078A.
Identifiers: ClinVar variation 1042703 (VCV001042703.12), dbSNP rs143600070, ClinGen allele CA9396229.
Genomic context (GRCh38, chr19:36,102,764, plus strand): 5'-GGTTATGAGGGTCCCCTCGGGATCTTCCCCTAGAGCTCTTCCCCGCAGCTCTGGGAGACG[T>C]GGAGGCCTCTGAAGCTGAAGACCACTTCTTCAACCCACGCCTGAGTATCTCCACGCAGTT-3'
Protein context (NP_001077430.1, residues 1073-1093): RELFPAALGD[Val1083Ala]EASEAEDHFF

ClinVar aggregate classification (germline): Uncertain significance. Review status: criteria provided, multiple submitters, no conflicts (2 of 4 stars). 3 submissions from 3 submitters: Uncertain significance (3). Last evaluated 2025-12-04.

Conditions:
Inborn genetic diseases. Identifiers: MedGen C0950123, MeSH D030342.

Allele frequency attached by ClinVar (database versions not stated): TOPMed 0.00040; ESP Exome Variant Server 0.00038; gnomAD 0.00026 and 0.00028; ExAC 0.00025; 1000 Genomes Project 30x 0.00031; gnomAD exomes 0.00072 and 0.00026; 1000 Genomes Project 0.00040.
gnomAD v4.1: 1,082 of 1,614,206 alleles (0.067%); highest among the groups gnomAD compares: Non-Finnish European, 0.088%; 1 homozygote.

Submissions (3):

GeneDx
Classification: Uncertain significance. Last evaluated: 2025-12-04. Review status: criteria provided, single submitter. Criteria: GeneDx Variant Classification Process June 2021. Collection method: clinical testing. Allele origin: germline. Affected: yes.
Comment: Identified in a patient with non-neurological disease, however detailed clinical information was not provided (PMID: 20729831); In silico analysis suggests that this missense variant does not alter protein structure/function; This variant is associated with the following publications: (PMID: 20729831)

Labcorp Genetics (formerly Invitae), Labcorp
Classification: Uncertain significance. Last evaluated: 2022-07-19. Review status: criteria provided, single submitter. Criteria: Invitae Variant Classification Sherloc (09022015). Collection method: clinical testing. Allele origin: germline.
Comment: This sequence change replaces valine, which is neutral and non-polar, with alanine, which is neutral and non-polar, at codon 1083 of the WDR62 protein (p.Val1083Ala). This variant is present in population databases (rs143600070, gnomAD 0.05%). This variant has not been reported in the literature in individuals affected with WDR62-related conditions. ClinVar contains an entry for this variant (Variation ID: 1042703). Algorithms developed to predict the effect of missense changes on protein structure and function output the following: SIFT: "Tolerated"; PolyPhen-2: "Benign"; Align-GVGD: "Class C0". The alanine amino acid residue is found in multiple mammalian species, which suggests that this missense change does not adversely affect protein function. In summary, the available evidence is currently insufficient to determine the role of this variant in disease. Therefore, it has been classified as a Variant of Uncertain Significance.

Ambry Genetics
Classification: Uncertain significance for Inborn genetic diseases. Last evaluated: 2022-02-11. Review status: criteria provided, single submitter. Criteria: Ambry Variant Classification Scheme 2023. Collection method: clinical testing. Allele origin: germline.